The following is an entry in ClinVar:

ClinVar aggregate classification (germline): Uncertain significance (1 of 4 stars; one submission).

gnomAD v4.1: 2 of 1,614,140 alleles (0.00012%); highest among the groups gnomAD compares: South Asian, 0.0011%; no homozygotes.

Submission:

Labcorp Genetics (formerly Invitae), Labcorp
Classification: Uncertain significance. Last evaluated: 2025-06-08. Review status: criteria provided, single submitter. Criteria: Invitae Variant Classification Sherloc (09022015). Collection method: clinical testing. Allele origin: germline.
Comment: This sequence change replaces threonine, which is neutral and polar, with serine, which is neutral and polar, at codon 1369 of the SRCAP protein (p.Thr1369Ser). This variant is present in population databases (rs755241922, gnomAD 0.003%). This variant has not been reported in the literature in individuals affected with SRCAP-related conditions. Invitae Evidence Modeling of protein sequence and biophysical properties (such as structural, functional, and spatial information, amino acid conservation, physicochemical variation, residue mobility, and thermodynamic stability) indicates that this missense variant is not expected to disrupt SRCAP protein function with a negative predictive value of 80%. In summary, the available evidence is currently insufficient to determine the role of this variant in disease. Therefore, it has been classified as a Variant of Uncertain Significance.

NM_006662.3(SRCAP):c.4106C>G (p.Thr1369Ser)

Gene: SRCAP (Snf2 related CREBBP activator protein; plus strand). Cytogenetic location: 16p11.2.
Variant type: single nucleotide variant.
Coding change: c.4106C>G on transcript NM_006662.3 (MANE Select); coding-DNA position 4106, C replaced by G.
Protein change: p.Thr1369Ser; replaces threonine 1369 with serine.
Molecular consequence: missense variant.
Genome position (GRCh38, 1-based): chr16:30,723,176, C>G. VCF-style: chr16-30723176-C-G. GRCh37 (hg19) VCF-style: chr16-30734497-C-G.
Other names: short protein forms T1369S.
Identifiers: ClinVar variation 4771350 (VCV004771350.1).